The following is an entry in ClinVar:

NM_024753.5(TTC21B):c.410T>C (p.Ile137Thr)

Genes: TTC21B (tetratricopeptide repeat domain 21B; minus strand), TTC21B-AS1 (TTC21B antisense RNA 1; plus strand). Cytogenetic location: 2q24.3.
Variant type: single nucleotide variant.
Coding change: c.410T>C on transcript NM_024753.5 (MANE Select); coding-DNA position 410, T replaced by C.
Protein change: p.Ile137Thr; replaces isoleucine 137 with threonine.
Molecular consequence: missense variant.
Genome position (GRCh38, 1-based): chr2:165,945,543, A>G on the plus strand (T>C on the coding strand, the complement: TTC21B is on the minus strand). VCF-style: chr2-165945543-A-G. GRCh37 (hg19) VCF-style: chr2-166802053-A-G.
Other names: c.410T>C (NM_024753.4); short protein forms I137T.
Identifiers: ClinVar variation 2417701 (VCV002417701.7), dbSNP rs2468247975, ClinGen allele CA349053372.

ClinVar aggregate classification (germline): Uncertain significance. Review status: criteria provided, multiple submitters, no conflicts (2 of 4 stars). 2 submissions from 2 submitters: Uncertain significance (2). Last evaluated 2025-03-19.

Conditions:
Jeune thoracic dystrophy. Also called: Jeune syndrome; Infantile thoracic dystrophy; Thoracic pelvic phalangeal dystrophy; Jeune's syndrome; Chondroectodermal dysplasia-like syndrome; Short-rib thoracic dysplasia. Identifiers: Orphanet 474, MedGen C0265275, MONDO:0018770.
Nephronophthisis. Also called: Juvenile Nephronophthisis. Identifiers: Orphanet 655, MedGen C0687120, MONDO:0019005, HP:0000090.
TTC21B-related disorder. Also called: TTC21B-related condition; TTC21B-related disorders.

Submissions (2):

PreventionGenetics, part of Exact Sciences
Classification: Uncertain significance for TTC21B-related condition. Last evaluated: 2025-03-19. Review status: criteria provided, single submitter. Criteria: ACMG Guidelines, 2015. Collection method: clinical testing. Allele origin: germline.
Comment: The TTC21B c.410T>C variant is predicted to result in the amino acid substitution p.Ile137Thr. To our knowledge, this variant has not been reported in the literature or in a large population database (gnomAD), indicating this variant is rare. At this time, the clinical significance of this variant is uncertain due to the absence of conclusive functional and genetic evidence.

Labcorp Genetics (formerly Invitae), Labcorp
Classification: Uncertain significance for Jeune thoracic dystrophy; Nephronophthisis. Last evaluated: 2022-11-15. Review status: criteria provided, single submitter. Criteria: Invitae Variant Classification Sherloc (09022015). Collection method: clinical testing. Allele origin: germline.
Comment: This sequence change replaces isoleucine, which is neutral and non-polar, with threonine, which is neutral and polar, at codon 137 of the TTC21B protein (p.Ile137Thr). In summary, the available evidence is currently insufficient to determine the role of this variant in disease. Therefore, it has been classified as a Variant of Uncertain Significance. Advanced modeling of protein sequence and biophysical properties (such as structural, functional, and spatial information, amino acid conservation, physicochemical variation, residue mobility, and thermodynamic stability) performed at Invitae indicates that this missense variant is not expected to disrupt TTC21B protein function. This variant has not been reported in the literature in individuals affected with TTC21B-related conditions. This variant is not present in population databases (gnomAD no frequency).